The following is an entry in ClinVar:

NM_000179.3(MSH6):c.565A>T (p.Lys189Ter)

Gene: MSH6 (mutS homolog 6; plus strand). Cytogenetic location: 2p16.3.
Variant type: single nucleotide variant.
Coding change: c.565A>T on transcript NM_000179.3 (MANE Select); coding-DNA position 565, A replaced by T.
Protein change: p.Lys189Ter; replaces lysine 189 with a stop codon.
Molecular consequence: nonsense. On other transcripts: 5 prime UTR variant (1), intron variant (2).
Genome position (GRCh38, 1-based): chr2:47,796,001, A>T. VCF-style: chr2-47796001-A-T. GRCh37 (hg19) VCF-style: chr2-48023140-A-T.
Other names: c.-338A>T (NM_001281494.2); c.-279-2610A>T (NM_001281493.2); c.238-2610A>T (NM_001281492.2); short protein forms K189*.
Identifiers: ClinVar variation 187264 (VCV000187264.15), dbSNP rs786203597, ClinGen allele CA015872.

ClinVar aggregate classification (germline): Pathogenic. Review status: criteria provided, multiple submitters, no conflicts (2 of 4 stars). 2 submissions from 2 submitters: Pathogenic (2). Last evaluated 2021-07-19.

Conditions:
Hereditary nonpolyposis colorectal neoplasms. Identifiers: MedGen C0009405, MeSH D003123.
Hereditary cancer-predisposing syndrome. Also called: Neoplastic Syndromes, Hereditary; Tumor predisposition; Hereditary Cancer Syndrome; Hereditary neoplastic syndrome. Identifiers: Orphanet 140162, MedGen C0027672, MeSH D009386, MONDO:0015356.

Submissions (2):

Labcorp Genetics (formerly Invitae), Labcorp
Classification: Pathogenic for Hereditary nonpolyposis colorectal neoplasms. Last evaluated: 2021-07-19. Review status: criteria provided, single submitter. Criteria: Invitae Variant Classification Sherloc (09022015). Collection method: clinical testing. Allele origin: germline.
Comment: For these reasons, this variant has been classified as Pathogenic. Loss-of-function variants in MSH6 are known to be pathogenic (PMID: 18269114, 24362816). A different variant (c.564dupT) giving rise to the same protein effect observed here (p.Lys189*) has been determined to be pathogenic (Invitae). This suggests that this variant is also likely to be causative of disease. This variant has been observed in an individual undergoing testing for Lynch syndrome (PMID: 28514183). ClinVar contains an entry for this variant (Variation ID: 187264). This variant is not present in population databases (ExAC no frequency). This sequence change creates a premature translational stop signal (p.Lys189*) in the MSH6 gene. It is expected to result in an absent or disrupted protein product.

Ambry Genetics
Classification: Pathogenic for Hereditary cancer-predisposing syndrome. Last evaluated: 2014-12-08. Review status: criteria provided, single submitter. Criteria: Ambry Variant Classification Scheme 2023. Collection method: clinical testing. Allele origin: germline.
Comment: The p.K189* pathogenic mutation (also known as c.565A>T), located in coding exon 3 of the MSH6 gene, results from an A to T substitution at nucleotide position 565. This changes the amino acid from a lysine to a stop codon within coding exon 3. Since premature stop codons are typically deleterious in nature, this alteration is interpreted as a disease-causing mutation (ACMG Recommendations for Standards for Interpretation and Reporting of Sequence Variations. Revision 2007. Genet Med. 2008;10:294).

Literature cited by the submitters: PubMed 18269114 (cited by Labcorp Genetics (formerly Invitae), Labcorp); PubMed 24362816 (cited by Labcorp Genetics (formerly Invitae), Labcorp); PubMed 28514183 (cited by Labcorp Genetics (formerly Invitae), Labcorp).